The following is an entry in ClinVar:

NM_000550.3(TYRP1):c.1483G>T (p.Gly495Trp)

Genes: LURAP1L-AS1 (LURAP1L antisense RNA 1; minus strand), TYRP1 (tyrosinase related protein 1; plus strand). Cytogenetic location: 9p23.
Variant type: single nucleotide variant.
Coding change: c.1483G>T on transcript NM_000550.3 (MANE Select); coding-DNA position 1483, G replaced by T.
Protein change: p.Gly495Trp; replaces glycine 495 with tryptophan.
Molecular consequence: missense variant.
Genome position (GRCh38, 1-based): chr9:12,709,051, G>T. VCF-style: chr9-12709051-G-T. GRCh37 (hg19) VCF-style: chr9-12709051-G-T.
Other names: c.1483G>T (NM_000550.2); short protein forms G495W.
Identifiers: ClinVar variation 1504587 (VCV001504587.9), dbSNP rs542056783, ClinGen allele CA4985596.

ClinVar aggregate classification (germline): Uncertain significance. Review status: criteria provided, multiple submitters, no conflicts (2 of 4 stars). 3 submissions from 3 submitters: Uncertain significance (3). Last evaluated 2025-08-28.

Conditions:
Inborn genetic diseases. Identifiers: MedGen C0950123, MeSH D030342.

Allele frequency attached by ClinVar (database versions not stated): 1000 Genomes Project 30x 0.00016; 1000 Genomes Project 0.00020.
gnomAD v4.1: 19 of 1,612,780 alleles (0.0012%); highest among the groups gnomAD compares: Middle Eastern, 0.017%; no homozygotes.

Submissions (3):

Ambry Genetics
Classification: Uncertain significance for Inborn genetic diseases. Last evaluated: 2025-08-28. Review status: criteria provided, single submitter. Criteria: Ambry Variant Classification Scheme 2023. Collection method: clinical testing. Allele origin: germline.

GeneDx
Classification: Uncertain significance. Last evaluated: 2025-08-15. Review status: criteria provided, single submitter. Criteria: GeneDx Variant Classification Process June 2021. Collection method: clinical testing. Allele origin: germline.
Comment: In silico analysis suggests that this missense variant does not alter protein structure/function; Has not been previously published as pathogenic or benign to our knowledge

Labcorp Genetics (formerly Invitae), Labcorp
Classification: Uncertain significance. Last evaluated: 2022-10-24. Review status: criteria provided, single submitter. Criteria: Invitae Variant Classification Sherloc (09022015). Collection method: clinical testing. Allele origin: germline.
Comment: This sequence change replaces glycine, which is neutral and non-polar, with tryptophan, which is neutral and slightly polar, at codon 495 of the TYRP1 protein (p.Gly495Trp). This variant is present in population databases (rs542056783, gnomAD 0.02%). This variant has not been reported in the literature in individuals affected with TYRP1-related conditions. ClinVar contains an entry for this variant (Variation ID: 1504587). Advanced modeling of protein sequence and biophysical properties (such as structural, functional, and spatial information, amino acid conservation, physicochemical variation, residue mobility, and thermodynamic stability) performed at Invitae indicates that this missense variant is not expected to disrupt TYRP1 protein function. In summary, the available evidence is currently insufficient to determine the role of this variant in disease. Therefore, it has been classified as a Variant of Uncertain Significance.